The following is an entry in ClinVar:

NM_001042475.3(CEP85L):c.1020+17280C>A

Genes: CEP85L (centrosomal protein 85L; minus strand), PLN (phospholamban; plus strand). Cytogenetic location: 6q22.31.
Variant type: single nucleotide variant.
Coding change: c.1020+17280C>A on transcript NM_001042475.3 (MANE Select); 17280 bases into the intron after coding-DNA position 1020, C replaced by A.
Molecular consequence: intron variant.
Genome position (GRCh38, 1-based): chr6:118,548,249, G>T on the plus strand (C>A on the coding strand, the complement: CEP85L is on the minus strand). VCF-style: chr6-118548249-G-T. GRCh37 (hg19) VCF-style: chr6-118869412-G-T.
Other names: c.1029+17280C>A (NM_001178035.2); c.1020+17280C>A (NM_206921.3).
Identifiers: ClinVar variation 239212 (VCV000239212.48), dbSNP rs551982604, ClinGen allele CA10582441.

ClinVar aggregate classification (germline): Likely benign. Review status: criteria provided, multiple submitters, no conflicts (2 of 4 stars). 4 submissions from 4 submitters: Likely benign (3). 1 of the submissions does not count toward it. Last evaluated 2026-05-01.

Conditions:
PLN-related disorder. Also called: PLN-related condition.
Dilated cardiomyopathy 1P (CMD1P). Identifiers: Orphanet 154, MedGen C1835928, MONDO:0012362, OMIM 609909.

Allele frequency attached by ClinVar (database versions not stated): 1000 Genomes Project 30x 0.00016; TOPMed 0.00064; gnomAD 0.00070 and 0.00066; 1000 Genomes Project 0.00020.

Submissions (4):

CeGaT Center for Human Genetics Tuebingen
Classification: Likely benign. Last evaluated: 2026-05-01. Review status: criteria provided, single submitter. Criteria: CeGaT Center For Human Genetics Tuebingen Variant Classification Criteria Version 2. Collection method: clinical testing. Allele origin: germline. Affected: yes. Observed: 7 variant alleles.
Comment: CEP85L: BS1

Labcorp Genetics (formerly Invitae), Labcorp
Classification: Likely benign for Dilated cardiomyopathy 1P. Last evaluated: 2025-07-07. Review status: criteria provided, single submitter. Criteria: Invitae Variant Classification Sherloc (09022015). Collection method: clinical testing. Allele origin: germline.

Blueprint Genetics
Classification: Likely benign. Last evaluated: 2024-11-21. Review status: criteria provided, single submitter. Criteria: ACMG Guidelines, 2015. Collection method: clinical testing. Allele origin: germline.

PreventionGenetics, part of Exact Sciences
Classification: Likely benign for PLN-related condition. Last evaluated: 2020-09-03. Review status: no assertion criteria provided. Collection method: clinical testing. Allele origin: germline. Not counted in ClinVar's aggregate classification.
Comment: This variant is classified as likely benign based on ACMG/AMP sequence variant interpretation guidelines (Richards et al. 2015 PMID: 25741868, with internal and published modifications).